The following is an entry in ClinVar:

ClinVar aggregate classification (germline): Uncertain significance (1 of 4 stars; one submission).

Conditions:
SEMA3G-related disorder. Also called: SEMA3G-related condition.

gnomAD v4.1: 1 of 1,613,786 alleles (0.000062%); highest among the groups gnomAD compares: Non-Finnish European, 0.000085%; no homozygotes.

Submission:

PreventionGenetics, part of Exact Sciences
Classification: Uncertain significance for SEMA3G-related condition. Last evaluated: 2026-04-02. Review status: criteria provided, single submitter. Criteria: ACMG Guidelines, 2015. Collection method: clinical testing. Allele origin: germline.
Comment: The SEMA3G c.709G>A variant is predicted to result in the amino acid substitution p.Asp237Asn. To our knowledge, this variant has not been reported in the literature. This variant is reported in 0.00088% of alleles in individuals of European (Non-Finnish) descent in gnomAD. At this time, the clinical significance of this variant is uncertain due to the absence of conclusive functional and genetic evidence.

NM_020163.3(SEMA3G):c.709G>A (p.Asp237Asn)

Gene: SEMA3G (semaphorin 3G; minus strand). Cytogenetic location: 3p21.1.
Variant type: single nucleotide variant.
Coding change: c.709G>A on transcript NM_020163.3 (MANE Select); coding-DNA position 709, G replaced by A.
Protein change: p.Asp237Asn; replaces aspartic acid 237 with asparagine.
Molecular consequence: missense variant.
Genome position (GRCh38, 1-based): chr3:52,441,368, C>T on the plus strand (G>A on the coding strand, the complement: SEMA3G is on the minus strand). VCF-style: chr3-52441368-C-T. GRCh37 (hg19) VCF-style: chr3-52475384-C-T.
Other names: short protein forms D237N.
Identifiers: ClinVar variation 4993999 (VCV004993999.1).